The following is an entry in ClinVar:

ClinVar aggregate classification (germline): Uncertain significance (1 of 4 stars; one submission).

gnomAD v4.1: 3 of 1,612,458 alleles (0.00019%); highest among the groups gnomAD compares: Non-Finnish European, 0.00025%; no homozygotes.

Submission:

Ambry Genetics
Classification: Uncertain significance. Last evaluated: 2025-06-20. Review status: criteria provided, single submitter. Criteria: Ambry Variant Classification Scheme 2023. Collection method: clinical testing. Allele origin: germline.
Comment: The p.L235S variant (also known as c.704T>C), located in coding exon 6 of the RAD51B gene, results from a T to C substitution at nucleotide position 704. The leucine at codon 235 is replaced by serine, an amino acid with dissimilar properties. This amino acid position is conserved. In addition, this alteration is predicted to be deleterious by in silico analysis. Based on the available evidence, the clinical significance of this variant remains unclear.

NM_133510.4(RAD51B):c.704T>C (p.Leu235Ser)

Gene: RAD51B (RAD51 paralog B; plus strand). Cytogenetic location: 14q24.1.
Variant type: single nucleotide variant.
Coding change: c.704T>C on transcript NM_133510.4 (MANE Select); coding-DNA position 704, T replaced by C.
Protein change: p.Leu235Ser; replaces leucine 235 with serine.
Molecular consequence: missense variant.
Genome position (GRCh38, 1-based): chr14:67,887,152, T>C. VCF-style: chr14-67887152-T-C. GRCh37 (hg19) VCF-style: chr14-68353869-T-C.
Other names: c.704T>C, p.Leu235Ser (NM_001321809.2, NM_001321810.2, NM_001321812.1 and 6 more transcripts); c.590T>C, p.Leu197Ser (NM_001321815.1); c.347T>C, p.Leu116Ser (NM_001321817.2); short protein forms L197S, L116S, L235S.
Identifiers: ClinVar variation 4149802 (VCV004149802.1).